The following is an entry in ClinVar:

ClinVar aggregate classification (germline): Uncertain significance (1 of 4 stars; one submission).

Conditions:
Retinoblastoma (RB1). Also called: RETINOBLASTOMA, SOMATIC. Identifiers: Orphanet 790, MedGen C0035335, MeSH D012175, MONDO:0008380, OMIM 180200, HP:0009919. Disease mechanism: loss of function. Inheritance: Both sporadic and heritable forms are tested..

Submission:

Labcorp Genetics (formerly Invitae), Labcorp
Classification: Uncertain significance for Retinoblastoma. Last evaluated: 2023-01-30. Review status: criteria provided, single submitter. Criteria: Invitae Variant Classification Sherloc (09022015). Collection method: clinical testing. Allele origin: germline.
Comment: This variant has not been reported in the literature in individuals affected with RB1-related conditions. This sequence change replaces isoleucine, which is neutral and non-polar, with phenylalanine, which is neutral and non-polar, at codon 401 of the RB1 protein (p.Ile401Phe). This variant is not present in population databases (gnomAD no frequency). Advanced modeling of protein sequence and biophysical properties (such as structural, functional, and spatial information, amino acid conservation, physicochemical variation, residue mobility, and thermodynamic stability) performed at Invitae indicates that this missense variant is not expected to disrupt RB1 protein function. In summary, the available evidence is currently insufficient to determine the role of this variant in disease. Therefore, it has been classified as a Variant of Uncertain Significance.

NM_000321.3(RB1):c.1201A>T (p.Ile401Phe)

Gene: RB1 (RB transcriptional corepressor 1; plus strand). Cytogenetic location: 13q14.2.
Variant type: single nucleotide variant.
Coding change: c.1201A>T on transcript NM_000321.3 (MANE Select); coding-DNA position 1201, A replaced by T.
Protein change: p.Ile401Phe; replaces isoleucine 401 with phenylalanine.
Molecular consequence: missense variant.
Genome position (GRCh38, 1-based): chr13:48,373,478, A>T. VCF-style: chr13-48373478-A-T. GRCh37 (hg19) VCF-style: chr13-48947614-A-T.
Other names: c.1201A>T, p.Ile401Phe (NM_001407166.1, NM_001407165.1); short protein forms I401F.
Identifiers: ClinVar variation 2970372 (VCV002970372.3), dbSNP rs2542195088, ClinGen allele CA388161653.